The following is an entry in ClinVar:

NM_000540.3(RYR1):c.11064_11066dup (p.Glu3689_Val3690insGlu)

Gene: RYR1 (ryanodine receptor 1; plus strand). Cytogenetic location: 19q13.2.
Variant type: Duplication.
Coding change: c.11064_11066dup on transcript NM_000540.3 (MANE Select); coding-DNA positions 11064 to 11066, 3 bases duplicated (AGA; older notation c.11064_11066dupAGA).
Protein change: p.Glu3689_Val3690insGlu.
Genome position (GRCh38, 1-based): chr19:38,528,980-38,528,982, AGA duplicated; duplicating any 3 consecutive bases within chr19:38,528,978-38,528,982 gives the same sequence; the c. name uses the placement nearest the transcript's 3' end. VCF-style (leftmost placement, unchanged base first): chr19-38528977-G-GGAA. GRCh37 (hg19) VCF-style: chr19-39019617-G-GGAA.
Other names: c.11049_11051dup, p.Glu3684_Val3685insGlu (NM_001042723.2).
Identifiers: ClinVar variation 3385548 (VCV003385548.1).
Genomic context (GRCh38, chr19:38,528,977, plus strand): 5'-AAACCCTCTCCCCAAGTCTCCCCTCTCCCACCAGAAAGCTGGGGAGCAGGAGGAGGAGGA[G>GGAA]GAAGAGGTGGAAGAGAAGAAGCCAGACCCCCTGCACCAGTTGGTCCTGCACTTCAGCCGC-3'

ClinVar aggregate classification (germline): Uncertain significance (1 of 4 stars; one submission).

Conditions:
Malignant hyperthermia, susceptibility to, 1 (MHS1). Also called: Anesthesia related hyperthermia; Malignant hyperpyrexia; Fulminating hyperpyrexia; Pharmacogenic myopathy; Malignant hyperthermia suceptibility 1; RYR1-Related Malignant Hyperthermia Susceptibility. Identifiers: Orphanet 423, MedGen C2930980, MONDO:0007783, OMIM 145600.

Submission:

All of Us Research Program, National Institutes of Health
Classification: Uncertain significance for Malignant hyperthermia, susceptibility to, 1. Last evaluated: 2024-02-22. Review status: criteria provided, single submitter. Criteria: ACMG Guidelines, 2015. Collection method: clinical testing. Allele origin: germline. Inheritance: Autosomal dominant inheritance. Observed: 1 variant allele, 1 heterozygote.
Comment: This variant results in the insertion of glutamic acid at codon 3689 in the RYR1 protein. To our knowledge, functional studies have not been reported for this variant. This variant has not been reported in individuals affected with RYR1-related disorders in the literature. This variant has not been identified in the general population by the Genome Aggregation Database (gnomAD). The available evidence is insufficient to determine the role of this variant in disease conclusively. Therefore, this variant is classified as a Variant of Uncertain Significance.

This study involves interpretation of variants in research participants for the purpose of population health screening. Participant phenotype was not available at the time of variant classification. Additional details can be found in publication PMID: 35346344, PMCID: PMC8962531